The following is an entry in ClinVar:

ClinVar aggregate classification (germline): Uncertain significance. Review status: criteria provided, multiple submitters, no conflicts (2 of 4 stars). 3 submissions from 3 submitters: Uncertain significance (2). 1 of the submissions does not count toward it. Last evaluated 2021-08-31.

Conditions:
Abnormal cerebral morphology. Also called: Abnormality of the cerebrum. Identifiers: MedGen C4021762, HP:0002060.
Progressive myoclonic epilepsy type 7. Identifiers: Orphanet 435438, MedGen C4015420, MONDO:0014521, OMIM 616187.

Allele frequency attached by ClinVar (database versions not stated): gnomAD exomes below 0.00001.
gnomAD v4.1: 2 of 1,614,226 alleles (0.00012%); highest among the groups gnomAD compares: South Asian, 0.0011%; no homozygotes.

Submissions (3):

Blueprint Genetics
Classification: Uncertain significance. Last evaluated: 2021-08-31. Review status: criteria provided, single submitter. Criteria: ACMG Guidelines, 2015. Collection method: clinical testing. Allele origin: germline.

Labcorp Genetics (formerly Invitae), Labcorp
Classification: Uncertain significance for Progressive myoclonic epilepsy type 7. Last evaluated: 2017-08-29. Review status: criteria provided, single submitter. Criteria: Invitae Variant Classification Sherloc (09022015). Collection method: clinical testing. Allele origin: germline.
Comment: This variant is not present in population databases (ExAC no frequency). In summary, the available evidence is currently insufficient to determine the role of this variant in disease. Therefore, it has been classified as a Variant of Uncertain Significance. Algorithms developed to predict the effect of missense changes on protein structure and function do not agree on the potential impact of this missense change (SIFT: "Tolerated"; PolyPhen-2: "Possibly Damaging"; Align-GVGD: "Class C0"). This variant has not been reported in the literature in individuals with KCNC1-related disease. This sequence change replaces histidine with asparagine at codon 480 of the KCNC1 protein (p.His480Asn). The histidine residue is highly conserved and there is a small physicochemical difference between histidine and asparagine.

Diagnostic Laboratory, Strasbourg University Hospital
Classification: Uncertain significance for Abnormal cerebral morphology. Review status: no assertion criteria provided. Collection method: clinical testing. Allele origin: maternal. Affected: yes. Observed: 1 heterozygote. Not counted in ClinVar's aggregate classification.

NM_001112741.2(KCNC1):c.1438C>A (p.His480Asn)

Gene: KCNC1 (potassium voltage-gated channel subfamily C member 1; plus strand). Cytogenetic location: 11p15.1.
Variant type: single nucleotide variant.
Coding change: c.1438C>A on transcript NM_001112741.2 (MANE Select); coding-DNA position 1438, C replaced by A.
Protein change: p.His480Asn; replaces histidine 480 with asparagine.
Molecular consequence: missense variant.
Genome position (GRCh38, 1-based): chr11:17,772,532, C>A. VCF-style: chr11-17772532-C-A. GRCh37 (hg19) VCF-style: chr11-17794079-C-A.
Other names: c.1438C>A, p.His480Asn (NM_004976.4); short protein forms H480N.
Identifiers: ClinVar variation 542106 (VCV000542106.10), dbSNP rs1554991425, ClinGen allele CA379810157.
Genomic context (GRCh38, chr11:17,772,532, plus strand): 5'-ATTCCGCGGCCACCGCAGCTGGGATCTCCCAATTATTGTAAATCTGTCGTAAACTCTCCA[C>A]ACCACAGTACTCAGAGTGACACATGTCCGCTGGCCCAGGAAGAAATTTTAGAAATTAACA-3'
Protein context (NP_001106212.1, residues 470-490): NYCKSVVNSP[His480Asn]HSTQSDTCPL